The following is an entry in ClinVar:

NM_138927.4(SON):c.4593T>C (p.Asn1531=)

Gene: SON (SON DNA and RNA binding protein; plus strand). Cytogenetic location: 21q22.11.
Variant type: single nucleotide variant.
Coding change: c.4593T>C on transcript NM_138927.4 (MANE Select); coding-DNA position 4593, T replaced by C.
Protein change: p.Asn1531=; no amino-acid change (asparagine 1531 retained).
Molecular consequence: synonymous variant. On other transcripts: non-coding transcript variant (1), intron variant (1).
Genome position (GRCh38, 1-based): chr21:33,553,824, T>C. VCF-style: chr21-33553824-T-C. GRCh37 (hg19) VCF-style: chr21-34926130-T-C.
Other names: c.4593T>C, p.Asn1531= (NM_001291411.2, NM_032195.3); c.245-3332T>C (NM_001291412.3).
Identifiers: ClinVar variation 727485 (VCV000727485.14), dbSNP rs73900350, ClinGen allele CA10009565.
Genomic context (GRCh38, chr21:33,553,824, plus strand): 5'-AGAACCACATGCTGAGGAACACCTGAAAGGTGACTTTTACGAAAGTGAACATGGTATAAA[T>C]ATAGACCTTAATATAAATAATCATTTAATTGCTAAAGAGATGGAACATAATACAGTGTGT-3'
Protein context (NP_620305.3, residues 1521-1541): GDFYESEHGI[Asn1531=]IDLNINNHLI

ClinVar aggregate classification (germline): Benign/Likely benign. Review status: criteria provided, multiple submitters, no conflicts (2 of 4 stars). 3 submissions from 3 submitters: Benign (1); Likely benign (2). Last evaluated 2026-06-01.

Allele frequency attached by ClinVar (database versions not stated): gnomAD 0.00252; TOPMed 0.00252; ESP Exome Variant Server 0.00254; 1000 Genomes Project 0.00300; 1000 Genomes Project 30x 0.00312.
gnomAD v4.1: 1,019 of 1,613,954 alleles (0.063%); highest among the groups gnomAD compares: African/African-American, 0.78%; 5 homozygotes.

Submissions (3):

CeGaT Center for Human Genetics Tuebingen
Classification: Likely benign. Last evaluated: 2026-06-01. Review status: criteria provided, single submitter. Criteria: CeGaT Center For Human Genetics Tuebingen Variant Classification Criteria Version 2. Collection method: clinical testing. Allele origin: germline. Affected: yes. Observed: 2 variant alleles.
Comment: SON: BP4, BP7, BS1

Labcorp Genetics (formerly Invitae), Labcorp
Classification: Benign. Last evaluated: 2025-12-16. Review status: criteria provided, single submitter. Criteria: Invitae Variant Classification Sherloc (09022015). Collection method: clinical testing. Allele origin: germline.

Blueprint Genetics
Classification: Likely benign. Last evaluated: 2024-10-07. Review status: criteria provided, single submitter. Criteria: ACMG Guidelines, 2015. Collection method: clinical testing. Allele origin: germline.